The following is an entry in ClinVar:

ClinVar aggregate classification (germline): Uncertain significance. Review status: criteria provided, multiple submitters, no conflicts (2 of 4 stars). 2 submissions from 2 submitters: Uncertain significance (2). Last evaluated 2023-11-27.

Conditions:
Hypertrophic cardiomyopathy. Also called: HYPERTROPHIC MYOCARDIOPATHY. Identifiers: Orphanet 217569, MedGen C0007194, MeSH D002312, MONDO:0005045, HP:0001639.
Cardiovascular phenotype. Identifiers: MedGen CN230736.

gnomAD v4.1: 1 of 1,492,756 alleles (0.000067%); highest among the groups gnomAD compares: South Asian, 0.0013%; no homozygotes.

Submissions (2):

Ambry Genetics
Classification: Uncertain significance for Cardiovascular phenotype. Last evaluated: 2023-11-27. Review status: criteria provided, single submitter. Criteria: Ambry Variant Classification Scheme 2023. Collection method: clinical testing. Allele origin: germline.
Comment: The p.T477N variant (also known as c.1430C>A), located in coding exon 4 of the JPH2 gene, results from a C to A substitution at nucleotide position 1430. The threonine at codon 477 is replaced by asparagine, an amino acid with similar properties. This amino acid position is conserved. In addition, this alteration is predicted to be tolerated by in silico analysis. Since supporting evidence is limited at this time, the clinical significance of this alteration remains unclear.

Labcorp Genetics (formerly Invitae), Labcorp
Classification: Uncertain significance for Hypertrophic cardiomyopathy. Last evaluated: 2022-05-08. Review status: criteria provided, single submitter. Criteria: Invitae Variant Classification Sherloc (09022015). Collection method: clinical testing. Allele origin: germline.
Comment: In summary, the available evidence is currently insufficient to determine the role of this variant in disease. Therefore, it has been classified as a Variant of Uncertain Significance. Algorithms developed to predict the effect of missense changes on protein structure and function (SIFT, PolyPhen-2, Align-GVGD) all suggest that this variant is likely to be tolerated. This variant has not been reported in the literature in individuals affected with JPH2-related conditions. This variant is not present in population databases (gnomAD no frequency). This sequence change replaces threonine, which is neutral and polar, with asparagine, which is neutral and polar, at codon 477 of the JPH2 protein (p.Thr477Asn).

NM_020433.5(JPH2):c.1430C>A (p.Thr477Asn)

Gene: JPH2 (junctophilin 2; minus strand). Cytogenetic location: 20q13.12.
Variant type: single nucleotide variant.
Coding change: c.1430C>A on transcript NM_020433.5 (MANE Select); coding-DNA position 1430, C replaced by A.
Protein change: p.Thr477Asn; replaces threonine 477 with asparagine.
Molecular consequence: missense variant.
Genome position (GRCh38, 1-based): chr20:44,116,245, G>T on the plus strand (C>A on the coding strand, the complement: JPH2 is on the minus strand). VCF-style: chr20-44116245-G-T. GRCh37 (hg19) VCF-style: chr20-42744885-G-T.
Other names: short protein forms T477N.
Identifiers: ClinVar variation 2086292 (VCV002086292.5), dbSNP rs1442070249, ClinGen allele CA409100640.
Genomic context (GRCh38, chr20:44,116,245, plus strand): 5'-GGCCGCTTGGGCTGCGGGGGCGTCCCGGCCGGTGACGGGGAGCCACCCTCGGGCCGAGGG[G>T]TCTCACGCTCGTGCAGCTGCGGGCTCTCGCGGGGCGGCTGTGGGAGGCCCGCTGCGCCGG-3'
Protein context (NP_065166.2, residues 467-487): RESPQLHERE[Thr477Asn]PRPEGGSPSP